The following is an entry in ClinVar:

ClinVar aggregate classification (germline): Uncertain significance (1 of 4 stars; one submission).

Allele frequency attached by ClinVar (database versions not stated): gnomAD exomes below 0.00001.

Submission:

Labcorp Genetics (formerly Invitae), Labcorp
Classification: Uncertain significance. Last evaluated: 2023-12-11. Review status: criteria provided, single submitter. Criteria: Invitae Variant Classification Sherloc (09022015). Collection method: clinical testing. Allele origin: germline.
Comment: This sequence change replaces glutamic acid, which is acidic and polar, with lysine, which is basic and polar, at codon 4793 of the FAT4 protein (p.Glu4793Lys). This variant is not present in population databases (gnomAD no frequency). This variant has not been reported in the literature in individuals affected with FAT4-related conditions. ClinVar contains an entry for this variant (Variation ID: 2016634). Advanced modeling of protein sequence and biophysical properties (such as structural, functional, and spatial information, amino acid conservation, physicochemical variation, residue mobility, and thermodynamic stability) performed at Invitae indicates that this missense variant is not expected to disrupt FAT4 protein function with a negative predictive value of 95%. In summary, the available evidence is currently insufficient to determine the role of this variant in disease. Therefore, it has been classified as a Variant of Uncertain Significance.

NM_001291303.3(FAT4):c.14383G>A (p.Glu4795Lys)

Gene: FAT4 (FAT atypical cadherin 4; plus strand). Cytogenetic location: 4q28.1.
Variant type: single nucleotide variant.
Coding change: c.14383G>A on transcript NM_001291303.3 (MANE Select); coding-DNA position 14383, G replaced by A.
Protein change: p.Glu4795Lys; replaces glutamic acid 4795 with lysine.
Molecular consequence: missense variant.
Genome position (GRCh38, 1-based): chr4:125,491,199, G>A. VCF-style: chr4-125491199-G-A. GRCh37 (hg19) VCF-style: chr4-126412354-G-A.
Other names: c.14380G>A, p.Glu4794Lys (NM_001291285.3); c.14377G>A, p.Glu4793Lys (NM_024582.6); short protein forms E4795K, E4794K, E4793K.
Identifiers: ClinVar variation 2016634 (VCV002016634.4), dbSNP rs2530089670, ClinGen allele CA358142016.
Genomic context (GRCh38, chr4:125,491,199, plus strand): 5'-CCGATTGGGCAGATTCCACTGGAATCTTCTCCTCCAGTCGGACTTTCTATTGAAGAAGTG[G>A]AGAGGCTCAACACACCTCGCCCTAGAAACCCAAGTATCTGCAGTGCAGACCATGGGAGGT-3'
Protein context (NP_001278232.1, residues 4785-4805): PPVGLSIEEV[Glu4795Lys]RLNTPRPRNP